The following is an entry in ClinVar:

ClinVar aggregate classification (germline): Uncertain significance (1 of 4 stars; one submission).

Conditions:
Hereditary cancer-predisposing syndrome. Also called: Neoplastic Syndromes, Hereditary; Tumor predisposition; Hereditary Cancer Syndrome; Hereditary neoplastic syndrome. Identifiers: Orphanet 140162, MedGen C0027672, MeSH D009386, MONDO:0015356.

gnomAD v4.1: 1 of 1,613,790 alleles (0.000062%); highest among the groups gnomAD compares: South Asian, 0.0011%; no homozygotes.

Submission:

Color Diagnostics, LLC DBA Color Health
Classification: Uncertain significance for Hereditary cancer-predisposing syndrome. Last evaluated: 2024-03-06. Review status: criteria provided, single submitter. Criteria: ACMG Guidelines, 2015. Collection method: clinical testing. Allele origin: germline.
Comment: This missense variant replaces glutamine with glutamic acid at codon 1977 of the APC protein. Computational prediction tool suggests that this variant may not impact protein structure and function (internally defined REVEL score threshold <=0.5, PMID: 27666373). Splice site prediction tools suggest that this variant may not impact RNA splicing. To our knowledge, functional studies have not been performed for this variant. This variant has not been reported in individuals affected with hereditary cancer in the literature. This variant has not been identified in the general population by the Genome Aggregation Database (gnomAD). The available evidence is insufficient to determine the role of this variant in disease conclusively. Therefore, this variant is classified as a Variant of Uncertain Significance.

NM_000038.6(APC):c.5929C>G (p.Gln1977Glu)

Gene: APC (APC regulator of Wnt signaling pathway; plus strand). Cytogenetic location: 5q22.2.
Variant type: single nucleotide variant.
Coding change: c.5929C>G on transcript NM_000038.6 (MANE Select); coding-DNA position 5929, C replaced by G.
Protein change: p.Gln1977Glu; replaces glutamine 1977 with glutamic acid.
Molecular consequence: missense variant.
Genome position (GRCh38, 1-based): chr5:112,841,523, C>G. VCF-style: chr5-112841523-C-G. GRCh37 (hg19) VCF-style: chr5-112177220-C-G.
Other names: c.5929C>G, p.Gln1977Glu (NM_001127510.3, NM_001354895.2); c.5875C>G, p.Gln1959Glu (NM_001127511.3); c.5983C>G, p.Gln1995Glu (NM_001354896.2); c.5959C>G, p.Gln1987Glu (NM_001354897.2); c.5854C>G, p.Gln1952Glu (NM_001354898.2); c.5845C>G, p.Gln1949Glu (NM_001354899.2); c.5806C>G, p.Gln1936Glu (NM_001354900.2); c.5752C>G, p.Gln1918Glu (NM_001354901.2); and 5 more; short protein forms Q1694E, Q1851E, Q1936E, Q1959E, Q1987E, Q1952E, Q1995E, Q1817E.
Identifiers: ClinVar variation 919739 (VCV000919739.4), dbSNP rs1766089930, ClinGen allele CA16034302.